The following is an entry in ClinVar:

NM_024642.5(GALNT12):c.1372T>A (p.Cys458Ser)

Gene: GALNT12 (polypeptide N-acetylgalactosaminyltransferase 12; plus strand). Cytogenetic location: 9q22.33.
Variant type: single nucleotide variant.
Coding change: c.1372T>A on transcript NM_024642.5 (MANE Select); coding-DNA position 1372, T replaced by A.
Protein change: p.Cys458Ser; replaces cysteine 458 with serine.
Molecular consequence: missense variant.
Genome position (GRCh38, 1-based): chr9:98,844,123, T>A. VCF-style: chr9-98844123-T-A. GRCh37 (hg19) VCF-style: chr9-101606405-T-A.
Other names: short protein forms C458S.
Identifiers: ClinVar variation 485637 (VCV000485637.17), dbSNP rs370060387, ClinGen allele CA5154256.

ClinVar aggregate classification (germline): Uncertain significance. Review status: criteria provided, multiple submitters, no conflicts (2 of 4 stars). 4 submissions from 4 submitters: Uncertain significance (4). Last evaluated 2025-07-22.

Conditions:
Colorectal cancer, susceptibility to, 1. Also called: COLORECTAL ADENOMA AND CANCER, SUSCEPTIBILITY TO; COLORECTAL CANCER, SUSCEPTIBILITY TO, ON CHROMOSOME 9. Identifiers: MedGen C1837315, MONDO:0012132, OMIM 608812.

Allele frequency attached by ClinVar (database versions not stated): gnomAD exomes below 0.00001; gnomAD 0.00001 and 0.00003; ExAC 0.00002; TOPMed 0.00003; ESP Exome Variant Server 0.00008.
gnomAD v4.1: 75 of 1,613,600 alleles (0.0046%); highest among the groups gnomAD compares: Non-Finnish European, 0.0059%; no homozygotes.

Submissions (4):

Labcorp Genetics (formerly Invitae), Labcorp
Classification: Uncertain significance. Last evaluated: 2025-07-22. Review status: criteria provided, single submitter. Criteria: Invitae Variant Classification Sherloc (09022015). Collection method: clinical testing. Allele origin: germline.
Comment: This sequence change replaces cysteine, which is neutral and slightly polar, with serine, which is neutral and polar, at codon 458 of the GALNT12 protein (p.Cys458Ser). This variant is present in population databases (rs370060387, gnomAD 0.003%). This variant has not been reported in the literature in individuals affected with GALNT12-related conditions. ClinVar contains an entry for this variant (Variation ID: 485637). Invitae Evidence Modeling of protein sequence and biophysical properties (such as structural, functional, and spatial information, amino acid conservation, physicochemical variation, residue mobility, and thermodynamic stability) indicates that this missense variant is not expected to disrupt GALNT12 protein function with a negative predictive value of 80%. In summary, the available evidence is currently insufficient to determine the role of this variant in disease. Therefore, it has been classified as a Variant of Uncertain Significance.

Quest Diagnostics Nichols Institute San Juan Capistrano
Classification: Uncertain significance. Last evaluated: 2025-05-18. Review status: criteria provided, single submitter. Criteria: Quest Diagnostics criteria. Collection method: clinical testing. Allele origin: unknown.
Comment: The GALNT12 c.1372T>A (p.Cys458Ser) variant has not been reported in individuals with GALNT12-related conditions in the published literature. The frequency of this variant in the general population (Genome Aggregation Database) is uninformative in the assessment of its pathogenicity. Analysis of this variant using bioinformatics tools for the prediction of the effect of amino acid changes on protein structure and function yielded predictions that this variant is damaging. Based on the available information, we are unable to determine the clinical significance of this variant.

Ambry Genetics
Classification: Uncertain significance. Last evaluated: 2025-05-07. Review status: criteria provided, single submitter. Criteria: Ambry Variant Classification Scheme 2023. Collection method: clinical testing. Allele origin: germline.
Comment: The p.C458S variant (also known as c.1372T>A), located in coding exon 8 of the GALNT12 gene, results from a T to A substitution at nucleotide position 1372. The cysteine at codon 458 is replaced by serine, an amino acid with dissimilar properties. This amino acid position is highly conserved in available vertebrate species. In addition, this alteration is predicted to be deleterious by in silico analysis. Since supporting evidence is limited at this time, the clinical significance of this alteration remains unclear.

Baylor Genetics
Classification: Uncertain significance for Colorectal cancer, susceptibility to, 1. Last evaluated: 2024-02-10. Review status: criteria provided, single submitter. Criteria: ACMG Guidelines, 2015. Collection method: clinical testing. Allele origin: unknown.